The following is an entry in ClinVar:

ClinVar aggregate classification (germline): Benign (1 of 4 stars; one submission).

Conditions:
Retinoblastoma (RB1). Also called: RETINOBLASTOMA, SOMATIC. Identifiers: Orphanet 790, MedGen C0035335, MeSH D012175, MONDO:0008380, OMIM 180200, HP:0009919. Disease mechanism: loss of function. Inheritance: Both sporadic and heritable forms are tested..

Allele frequency attached by ClinVar (database versions not stated): gnomAD exomes 0.00001; gnomAD below 0.00001 and 0.00004; 1000 Genomes Project 0.00060; TOPMed 0.00002; 1000 Genomes Project 30x 0.00047.
gnomAD v4.1: 7 of 231,980 alleles (0.003%); highest among the groups gnomAD compares: South Asian, 0.13%; no homozygotes.

Submission:

Illumina Laboratory Services, Illumina
Classification: Benign for Retinoblastoma. Last evaluated: 2018-01-13. Review status: criteria provided, single submitter. Criteria: ICSL Variant Classification Criteria 13 December 2019. Collection method: clinical testing. Allele origin: germline.
Comment: This variant was observed in the ICSL laboratory as part of a predisposition screen in an ostensibly healthy population. It had not been previously curated by ICSL or reported in the Human Gene Mutation Database (HGMD: prior to June 1st, 2018), and was therefore a candidate for classification through an automated scoring system. Utilizing variant allele frequency, disease prevalence and penetrance estimates, and inheritance mode, an automated score was calculated to assess if this variant is too frequent to cause the disease. Based on the score and internal cut-off values, a variant classified as benign is not then subjected to further curation. The score for this variant resulted in a classification of benign for this disease.

NM_000321.3(RB1):c.*1268G>A

Gene: RB1 (RB transcriptional corepressor 1; plus strand). Cytogenetic location: 13q14.2.
Variant type: single nucleotide variant.
Coding change: c.*1268G>A on transcript NM_000321.3 (MANE Select); 1268 bases downstream of the stop codon, G replaced by A.
Molecular consequence: 3 prime UTR variant.
Genome position (GRCh38, 1-based): chr13:48,481,339, G>A. VCF-style: chr13-48481339-G-A. GRCh37 (hg19) VCF-style: chr13-49055475-G-A.
Identifiers: ClinVar variation 312314 (VCV000312314.5), dbSNP rs571383547, ClinGen allele CA10643585.
Genomic context (GRCh38, chr13:48,481,339, plus strand): 5'-AATGTTTCTATCTGATTTTGTGCAAAAGCTTCAAATTAAAACAGCTGCATTAGAAAAAGA[G>A]GCGCTTCTCCCCTCCCCTACACCTAAAGGTGTATTTAAACTATCTTGTGTGATTAACTTA-3'